The following is an entry in ClinVar:

NM_001048174.2(MUTYH):c.861A>T (p.Glu287Asp)

Gene: MUTYH (mutY DNA glycosylase; minus strand). Cytogenetic location: 1p34.1.
Variant type: single nucleotide variant.
Coding change: c.861A>T on transcript NM_001048174.2 (MANE Select); coding-DNA position 861, A replaced by T.
Protein change: p.Glu287Asp; replaces glutamic acid 287 with aspartic acid.
Molecular consequence: missense variant. On other transcripts: non-coding transcript variant (7).
Genome position (GRCh38, 1-based): chr1:45,332,075, T>A on the plus strand (A>T on the coding strand, the complement: MUTYH is on the minus strand). VCF-style: chr1-45332075-T-A. GRCh37 (hg19) VCF-style: chr1-45797747-T-A.
Other names: c.861A>T, p.Glu287Asp (NM_001407089.1, NM_001293195.2, NM_001407081.1 and 6 more transcripts); c.585A>T, p.Glu195Asp (NM_001407091.1, NM_001293192.2, NM_001293196.2); c.945A>T, p.Glu315Asp (NM_001128425.2); c.906A>T, p.Glu302Asp (NM_001293190.2); c.894A>T, p.Glu298Asp (NM_001293191.2, NM_001407069.1, NM_001407077.1); c.516A>T, p.Glu172Asp (NM_001350650.2, NM_001350651.2, NM_001407082.1); c.903A>T, p.Glu301Asp (NM_001407083.1, NM_001407085.1); c.864A>T, p.Glu288Asp (NM_001407086.1, NM_001048172.2, NM_001407071.1 and 1 more transcripts); and 5 more; short protein forms E172D, E294D, E298D, E302D, E312D, E315D, E259D, E273D.
Identifiers: ClinVar variation 4113934 (VCV004113934.1).
Genomic context (GRCh38, chr1:45,332,075, plus strand): 5'-GTGCTCACCACACTCCTCCACGTCAGGACTGCCCGACAGGCTCCCTGAGGCTAAGAGCTG[T>A]TCCTGCTCCACCTGAGAGGCACAGGGTTGAGTGTCATAGGGCAGAGTCACTCCTTAGGAC-3'
Protein context (NP_001041639.1, residues 277-297): LCRARQRVEQ[Glu287Asp]QLLASGSLSG

ClinVar aggregate classification (germline): Uncertain significance (1 of 4 stars; one submission).

Conditions:
Hereditary cancer-predisposing syndrome. Also called: Hereditary neoplastic syndrome; Neoplastic Syndromes, Hereditary; Tumor predisposition; Hereditary Cancer Syndrome. Identifiers: Orphanet 140162, MedGen C0027672, MeSH D009386, MONDO:0015356.

Submission:

Ambry Genetics
Classification: Uncertain significance for Hereditary cancer-predisposing syndrome. Last evaluated: 2025-08-27. Review status: criteria provided, single submitter. Criteria: Ambry Variant Classification Scheme 2023. Collection method: clinical testing. Allele origin: germline.
Comment: The p.E315D variant (also known as c.945A>T), located in coding exon 11 of the MUTYH gene, results from an A to T substitution at nucleotide position 945. The glutamic acid at codon 315 is replaced by aspartic acid, an amino acid with highly similar properties. This amino acid position is conserved. In addition, this alteration is predicted to be tolerated by in silico analysis. Based on the available evidence, the clinical significance of this variant remains unclear.